The following is an entry in ClinVar:

NM_007294.4(BRCA1):c.-19-7G>A

Gene: BRCA1 (BRCA1 DNA repair associated; minus strand). Cytogenetic location: 17q21.31.
Variant type: single nucleotide variant.
Coding change: c.-19-7G>A on transcript NM_007294.4 (MANE Select); 7 bases into the intron before 19 bases upstream of the start codon, G replaced by A.
Molecular consequence: intron variant.
Genome position (GRCh38, 1-based): chr17:43,124,122, C>T on the plus strand (G>A on the coding strand, the complement: BRCA1 is on the minus strand). VCF-style: chr17-43124122-C-T. GRCh37 (hg19) VCF-style: chr17-41276139-C-T.
Other names: c.-106-7G>A (NM_007297.4); c.-19-7G>A (NM_007299.4, NM_007300.4).
Identifiers: ClinVar variation 510565 (VCV000510565.13), dbSNP rs1415813169, ClinGen allele CA626086885.
Genomic context (GRCh38, chr17:43,124,122, plus strand): 5'-TGTACTTCTTCAACGCGAAGAGCAGATAAATCCATTTCTTTCTGTTCCAATGAACTTTAA[C>T]ACATTAGAAAAACATATATATATATCTTTTTAAAAGGTTTATAAAATGACAACTTCATTT-3'

ClinVar aggregate classification (germline): Conflicting classifications of pathogenicity. Review status: criteria provided, conflicting classifications (1 of 4 stars). 3 submissions from 3 submitters: Uncertain significance (1); Likely benign (2). Last evaluated 2025-09-10.

Conditions:
Hereditary breast ovarian cancer syndrome. Also called: Hereditary breast and ovarian cancer syndrome; Breast and ovarian cancer; BRCA1- and BRCA2-Associated Hereditary Breast and Ovarian Cancer; Hereditary breast and ovarian cancer syndrome (HBOC); Hereditary breast and/or ovarian cancer syndrome; Hereditary breast and ovarian cancer. Identifiers: Orphanet 145, MedGen C0677776, MeSH D061325, MONDO:0003582. Disease mechanism: loss of function.
Hereditary cancer-predisposing syndrome. Also called: Hereditary neoplastic syndrome; Hereditary Cancer Syndrome; Neoplastic Syndromes, Hereditary; Tumor predisposition. Identifiers: Orphanet 140162, MedGen C0027672, MeSH D009386, MONDO:0015356.

Allele frequency attached by ClinVar (database versions not stated): gnomAD exomes below 0.00001; gnomAD 0.00001; TOPMed 0.00001.
gnomAD v4.1: 4 of 1,511,712 alleles (0.00026%); highest among the groups gnomAD compares: East Asian, 0.009%; no homozygotes.

Submissions (3):

Labcorp Genetics (formerly Invitae), Labcorp
Classification: Likely benign for Hereditary breast ovarian cancer syndrome. Last evaluated: 2025-09-10. Review status: criteria provided, single submitter. Criteria: Invitae Variant Classification Sherloc (09022015). Collection method: clinical testing. Allele origin: germline.

Sema4
Classification: Uncertain significance for Hereditary cancer-predisposing syndrome. Last evaluated: 2021-07-29. Review status: criteria provided, single submitter. Criteria: Sema4 Curation Guidelines. Collection method: curation. Allele origin: germline.
Comment: The BRCA1 c.-19-7G>A variant has been reported in heterozygosity in at least one individual with breast cancer (PMID: 23175448). This variant was observed in 2/19732 chromosomes in the East Asian population according to the Genome Aggregation Database (PMID: 32461654) and has been reported in ClinVar (Variation ID: 510565). In silico tools suggest the variant does not significantly impact splicing, though these predictions have not been confirmed by functional studies. Based on the current evidence available, this variant is interpreted as a variant of uncertain significance.

GeneDx
Classification: Likely benign. Last evaluated: 2018-03-15. Review status: criteria provided, single submitter. Criteria: GeneDx Variant Classification (06012015). Collection method: clinical testing. Allele origin: germline. Affected: yes.
Comment: This variant is considered likely benign or benign based on one or more of the following criteria: it is a conservative change, it occurs at a poorly conserved position in the protein, it is predicted to be benign by multiple in silico algorithms, and/or has population frequency not consistent with disease.

Literature cited by the submitters: PubMed 23175448 (cited by Sema4).